The following is an entry in ClinVar:

ClinVar aggregate classification (germline): Conflicting classifications of pathogenicity. Review status: criteria provided, conflicting classifications (1 of 4 stars). 4 submissions from 4 submitters: Uncertain significance (2); Likely benign (2). Last evaluated 2025-09-23.

Conditions:
Hereditary cancer-predisposing syndrome. Also called: Hereditary neoplastic syndrome; Hereditary Cancer Syndrome; Neoplastic Syndromes, Hereditary; Tumor predisposition. Identifiers: Orphanet 140162, MedGen C0027672, MeSH D009386, MONDO:0015356.
Oligodontia-cancer predisposition syndrome. Also called: TOOTH AGENESIS-COLORECTAL CANCER SYNDROME. Identifiers: Orphanet 300576, MedGen C1837750, MONDO:0012075, OMIM 608615. Disease mechanism: loss of function.

Allele frequency attached by ClinVar (database versions not stated): gnomAD exomes below 0.00001; TOPMed 0.00002.
gnomAD v4.1: 3 of 1,614,190 alleles (0.00019%); highest among the groups gnomAD compares: Non-Finnish European, 0.00017%; no homozygotes.

Submissions (4):

Ambry Genetics
Classification: Likely benign for Hereditary cancer-predisposing syndrome. Last evaluated: 2025-09-23. Review status: criteria provided, single submitter. Criteria: Ambry Variant Classification Scheme 2023. Collection method: clinical testing. Allele origin: germline.

Labcorp Genetics (formerly Invitae), Labcorp
Classification: Likely benign for Oligodontia-cancer predisposition syndrome. Last evaluated: 2025-07-30. Review status: criteria provided, single submitter. Criteria: Invitae Variant Classification Sherloc (09022015). Collection method: clinical testing. Allele origin: germline.

GeneDx
Classification: Uncertain significance. Last evaluated: 2025-03-07. Review status: criteria provided, single submitter. Criteria: GeneDx Variant Classification Process June 2021. Collection method: clinical testing. Allele origin: germline. Affected: yes.
Comment: Not observed at significant frequency in large population cohorts (gnomAD); In silico analysis indicates that this variant does not alter splicing; Has not been previously published as pathogenic or benign to our knowledge

Sema4
Classification: Uncertain significance for Hereditary cancer-predisposing syndrome. Last evaluated: 2021-09-13. Review status: criteria provided, single submitter. Criteria: Sema4 Curation Guidelines. Collection method: curation. Allele origin: germline.
Comment: To the best of our knowledge, the AXIN2 c.815+5G>A variant has not been reported in the literature in individuals with AXIN2-related disease. It was observed in 1/250916 chromosomes in the large and broad cohorts of the Genome Aggregation Database (PMID: 32461654). This variant has been reported in ClinVar (Variation ID 377543). In silico tools suggest that the variant may have an impact on splicing, though these predictions have not been confirmed by functional studies. The evidence is insufficient to meet ACMG/AMP criteria for classifying the variant as benign or pathogenic. Thus, the clinical significance of this variant is currently uncertain.

NM_004655.4(AXIN2):c.815+5G>A

Gene: AXIN2 (axin 2; minus strand). Cytogenetic location: 17q24.1.
Variant type: single nucleotide variant.
Coding change: c.815+5G>A on transcript NM_004655.4 (MANE Select); 5 bases into the intron after coding-DNA position 815, G replaced by A.
Molecular consequence: intron variant.
Genome position (GRCh38, 1-based): chr17:65,557,801, C>T on the plus strand (G>A on the coding strand, the complement: AXIN2 is on the minus strand). VCF-style: chr17-65557801-C-T. GRCh37 (hg19) VCF-style: chr17-63553919-C-T.
Other names: c.815+5G>A (LRG_296t1, NM_001363813.1).
Identifiers: ClinVar variation 377543 (VCV000377543.18), dbSNP rs1057520237, ClinGen allele CA16607461.